The following is an entry in ClinVar:

NM_198586.3(NHLRC1):c.478T>C (p.Cys160Arg)

Gene: NHLRC1 (NHL repeat containing E3 ubiquitin protein ligase 1; minus strand). Cytogenetic location: 6p22.3.
Variant type: single nucleotide variant.
Coding change: c.478T>C on transcript NM_198586.3 (MANE Select); coding-DNA position 478, T replaced by C.
Protein change: p.Cys160Arg; replaces cysteine 160 with arginine.
Molecular consequence: missense variant.
Genome position (GRCh38, 1-based): chr6:18,122,129, A>G on the plus strand (T>C on the coding strand, the complement: NHLRC1 is on the minus strand). VCF-style: chr6-18122129-A-G. GRCh37 (hg19) VCF-style: chr6-18122360-A-G.
Other names: p.C160R:TGC>CGC; short protein forms C160R.
Identifiers: ClinVar variation 206189 (VCV000206189.22), dbSNP rs200595273, ClinGen allele CA316035.

ClinVar aggregate classification (germline): Conflicting classifications of pathogenicity. Review status: criteria provided, conflicting classifications (1 of 4 stars). 6 submissions from 6 submitters: Uncertain significance (3); Likely benign (2). 1 of the submissions does not count toward it. Last evaluated 2025-10-13.

Conditions:
Myoclonic epilepsy of Lafora 1 (MELF1). Also called: EPILEPSY, PROGRESSIVE MYOCLONIC, 2A; EPM2A-Related Lafora Disease; LAFORA DISEASE 1; Epilepsy, progressive myoclonic 2A (Lafora). Identifiers: MedGen CN377204, MONDO:0958199, OMIM 254780.
NHLRC1-related disorder. Also called: NHLRC1-related condition.
Inborn genetic diseases. Identifiers: MedGen C0950123, MeSH D030342.
Lafora disease. Also called: Progressive Myoclonus Epilepsy, Lafora Type; Epilepsy progressive myoclonic 2. Identifiers: Orphanet 501, MedGen C0751783, MONDO:0009697.

Allele frequency attached by ClinVar (database versions not stated): TOPMed 0.00010; gnomAD 0.00011 and 0.00012; gnomAD exomes 0.00011 and 0.00018; ExAC 0.00017; 1000 Genomes Project 30x 0.00031; 1000 Genomes Project 0.00040.

Submissions (6):

Labcorp Genetics (formerly Invitae), Labcorp
Classification: Likely benign for Lafora disease. Last evaluated: 2025-10-13. Review status: criteria provided, single submitter. Criteria: Invitae Variant Classification Sherloc (09022015). Collection method: clinical testing. Allele origin: germline.

Revvity Omics, Revvity
Classification: Uncertain significance for Myoclonic epilepsy of Lafora 1. Last evaluated: 2021-06-29. Review status: criteria provided, single submitter. Criteria: ACMG Guidelines, 2015. Collection method: clinical testing. Allele origin: germline.

Ambry Genetics
Classification: Likely benign for Inborn genetic diseases. Last evaluated: 2021-06-17. Review status: criteria provided, single submitter. Criteria: Ambry Variant Classification Scheme 2023. Collection method: clinical testing. Allele origin: germline.

Illumina Laboratory Services, Illumina
Classification: Uncertain significance for Myoclonic epilepsy of Lafora 1. Last evaluated: 2017-04-27. Review status: criteria provided, single submitter. Criteria: ICSL Variant Classification Criteria 13 December 2019. Collection method: clinical testing. Allele origin: germline.
Comment: This variant was observed as part of a predisposition screen in an ostensibly healthy population. A literature search was performed for the gene, cDNA change, and amino acid change (where applicable). Publications were found based on this search. However, the evidence from the literature, in combination with allele frequency data from public databases where available, was not sufficient to rule this variant in or out of causing disease. Therefore, this variant is classified as a variant of unknown significance.

GeneDx
Classification: Uncertain significance. Last evaluated: 2017-03-16. Review status: criteria provided, single submitter. Criteria: GeneDx Variant Classification (06012015). Collection method: clinical testing. Allele origin: germline. Affected: yes.
Comment: A variant of uncertain significance has been identified in the NHLRC1 gene. The C160R variant has been reported previously in an individual with Lafora disease; however, a second NHLRC1 variant was not detected, and staining failed to detect Lafora inclusion bodies (Singh et al., 2005). The C160R variant is observed in 20/8582 (0.2%) alleles from individuals of East Asian background (Lek et al., 2016; 1000 Genomes Consortium et al., 2015; Exome Variant Server). The C160R variant is a non-conservative amino acid substitution, which is likely to impact secondary protein structure as these residues differ in polarity, charge, size and/or other properties. However, this substitution occurs at a position that is not conserved. In silico analysis is inconsistent in its predictions as to whether or not the variant is damaging to the protein structure/function. Therefore, based on the currently available information, it is unclear whether this variant is a pathogenic variant or a rare benign variant.

PreventionGenetics, part of Exact Sciences
Classification: Likely benign for NHLRC1-related condition. Last evaluated: 2020-04-02. Review status: no assertion criteria provided. Collection method: clinical testing. Allele origin: germline. Not counted in ClinVar's aggregate classification.
Comment: This variant is classified as likely benign based on ACMG/AMP sequence variant interpretation guidelines (Richards et al. 2015 PMID: 25741868, with internal and published modifications).

Literature cited by the submitters: PubMed 16021330 (cited by Illumina Laboratory Services, Illumina).